The following is an entry in ClinVar:

NM_001613.4(ACTA2):c.959C>T (p.Thr320Met)

Genes: ACTA2-AS1 (ACTA2 antisense RNA 1; plus strand), ACTA2 (actin alpha 2, smooth muscle; minus strand). Cytogenetic location: 10q23.31.
Variant type: single nucleotide variant.
Coding change: c.959C>T on transcript NM_001613.4 (MANE Select); coding-DNA position 959, C replaced by T.
Protein change: p.Thr320Met; replaces threonine 320 with methionine.
Molecular consequence: missense variant.
Genome position (GRCh38, 1-based): chr10:88,938,092, G>A on the plus strand (C>T on the coding strand, the complement: ACTA2 is on the minus strand). VCF-style: chr10-88938092-G-A. GRCh37 (hg19) VCF-style: chr10-90697849-G-A.
Other names: c.959C>T, p.Thr320Met (NM_001406463.1, NM_001406464.1, NM_001141945.3 and 2 more transcripts); c.848C>T, p.Thr283Met (NM_001406466.1); c.830C>T, p.Thr277Met (NM_001406467.1, NM_001406468.1, NM_001406469.1); c.767C>T, p.Thr256Met (NM_001406471.1); short protein forms T320M, T256M, T277M, T283M.
Identifiers: ClinVar variation 627744 (VCV000627744.12), dbSNP rs757656209, ClinGen allele CA030056.

ClinVar aggregate classification (germline): Uncertain significance. Review status: criteria provided, multiple submitters, no conflicts (2 of 4 stars). 4 submissions from 4 submitters: Uncertain significance (4). Last evaluated 2025-10-26.

Conditions:
Familial thoracic aortic aneurysm and aortic dissection (TAAD). Also called: Thoracic aortic aneurysms and dissections. Identifiers: Orphanet 91387, MedGen C4707243, MONDO:0019625.
Aortic aneurysm, familial thoracic 6 (AAT6). Also called: FAMILIAL THORACIC AORTIC ANEURYSM WITH LIVEDO RETICULARIS AND IRIS FLOCCULI. Identifiers: MedGen C2673186, MONDO:0012730, OMIM 611788.

Allele frequency attached by ClinVar (database versions not stated): gnomAD 0.00002 and 0.00003; gnomAD exomes 0.00002 and 0.00004; TOPMed 0.00003; ExAC 0.00006.
gnomAD v4.1: 38 of 1,613,872 alleles (0.0024%); highest among the groups gnomAD compares: South Asian, 0.021%; no homozygotes.

Submissions (4):

Labcorp Genetics (formerly Invitae), Labcorp
Classification: Uncertain significance for Aortic aneurysm, familial thoracic 6. Last evaluated: 2025-10-26. Review status: criteria provided, single submitter. Criteria: Invitae Variant Classification Sherloc (09022015). Collection method: clinical testing. Allele origin: germline.
Comment: This sequence change replaces threonine, which is neutral and polar, with methionine, which is neutral and non-polar, at codon 320 of the ACTA2 protein (p.Thr320Met). The frequency data for this variant in the population databases is considered unreliable, as metrics indicate poor data quality at this position in the gnomAD database. This variant has not been reported in the literature in individuals affected with ACTA2-related conditions. ClinVar contains an entry for this variant (Variation ID: 627744). Invitae Evidence Modeling of protein sequence and biophysical properties (such as structural, functional, and spatial information, amino acid conservation, physicochemical variation, residue mobility, and thermodynamic stability) indicates that this missense variant is not expected to disrupt ACTA2 protein function with a negative predictive value of 80%. In summary, the available evidence is currently insufficient to determine the role of this variant in disease. Therefore, it has been classified as a Variant of Uncertain Significance.

All of Us Research Program, National Institutes of Health
Classification: Uncertain significance for Familial thoracic aortic aneurysm and aortic dissection. Last evaluated: 2023-12-01. Review status: criteria provided, single submitter. Criteria: ACMG Guidelines, 2015. Collection method: clinical testing. Allele origin: germline. Inheritance: Autosomal dominant inheritance. Observed: 3 variant alleles, 3 heterozygotes.
Comment: This missense variant replaces threonine with methionine at codon 320 of the ACTA2 protein. Computational prediction suggests that this variant may have deleterious impact on protein structure and function (internally defined REVEL score threshold >= 0.7, PMID: 27666373). To our knowledge, functional studies have not been reported for this variant. This variant has not been reported in individuals affected with cardiovascular disorders in the literature. This variant has been identified in 12/282326 chromosomes in the general population by the Genome Aggregation Database (gnomAD). The available evidence is insufficient to determine the role of this variant in disease conclusively. Therefore, this variant is classified as a Variant of Uncertain Significance.

This study involves interpretation of variants in research participants for the purpose of population health screening. Participant phenotype was not available at the time of variant classification. Additional details can be found in publication PMID: 35346344, PMCID: PMC8962531

Color Diagnostics, LLC DBA Color Health
Classification: Uncertain significance for Familial thoracic aortic aneurysm and aortic dissection. Last evaluated: 2023-07-26. Review status: criteria provided, single submitter. Criteria: ACMG Guidelines, 2015. Collection method: clinical testing. Allele origin: germline.
Comment: This missense variant replaces threonine with methionine at codon 320 of the ACTA2 protein. Computational prediction suggests that this variant may have deleterious impact on protein structure and function (internally defined REVEL score threshold >= 0.7, PMID: 27666373). To our knowledge, functional studies have not been reported for this variant. This variant has not been reported in individuals affected with ACTA2-related disorders in the literature. This variant has been identified in 12/282326 chromosomes in the general population by the Genome Aggregation Database (gnomAD). The available evidence is insufficient to determine the role of this variant in disease conclusively. Therefore, this variant is classified as a Variant of Uncertain Significance.

GeneDx
Classification: Uncertain significance. Last evaluated: 2023-06-29. Review status: criteria provided, single submitter. Criteria: GeneDx Variant Classification Process June 2021. Collection method: clinical testing. Allele origin: germline. Affected: yes.
Comment: Has not been previously published as pathogenic or benign to our knowledge; In silico analysis supports that this missense variant has a deleterious effect on protein structure/function